The following is an entry in ClinVar:

NM_001385875.1(ZFYVE27):c.*1411A>G

Gene: ZFYVE27 (zinc finger FYVE-type containing 27; plus strand). Cytogenetic location: 10q24.2.
Variant type: single nucleotide variant.
Coding change: c.*1411A>G on transcript NM_001385875.1 (MANE Select); 1411 bases downstream of the stop codon, A replaced by G.
Molecular consequence: 3 prime UTR variant. On other transcripts: non-coding transcript variant (17).
Genome position (GRCh38, 1-based): chr10:97,760,711, A>G. VCF-style: chr10-97760711-A-G. GRCh37 (hg19) VCF-style: chr10-99520468-A-G.
Other names: c.*1411A>G (NM_001002261.4, NM_001002262.4, NM_001174119.2 and 39 more transcripts).
Identifiers: ClinVar variation 301864 (VCV000301864.5), dbSNP rs567464767, ClinGen allele CA10637082.
Genomic context (GRCh38, chr10:97,760,711, plus strand): 5'-GGACCCATCCTAGGCCCGCTTTCTTGCCGAGCCAAGCAGCTTAGCTGGGGCTGTGCAGCC[A>G]GGGGCTTACCCAGGCCAGTGGAGGTGCCACAGCCCTGGGGAGCCAGACAGGCTTTGGTAT-3'

ClinVar aggregate classification (germline): Likely benign (1 of 4 stars; one submission).

Conditions:
Hereditary spastic paraplegia 33. Also called: SPASTIC PARAPLEGIA 33, AUTOSOMAL DOMINANT. Identifiers: MedGen C1853251, MONDO:0012448, OMIM 610244.

Allele frequency attached by ClinVar (database versions not stated): TOPMed 0.00074; 1000 Genomes Project 30x 0.00094; gnomAD 0.00094 and 0.00106; 1000 Genomes Project 0.00100.

Submission:

Illumina Laboratory Services, Illumina
Classification: Likely benign for Hereditary spastic paraplegia 33. Last evaluated: 2018-01-12. Review status: criteria provided, single submitter. Criteria: ICSL Variant Classification Criteria 13 December 2019. Collection method: clinical testing. Allele origin: germline.
Comment: This variant was observed in the ICSL laboratory as part of a predisposition screen in an ostensibly healthy population. It had not been previously curated by ICSL or reported in the Human Gene Mutation Database (HGMD: prior to June 1st, 2018), and was therefore a candidate for classification through an automated scoring system. Utilizing variant allele frequency, disease prevalence and penetrance estimates, and inheritance mode, an automated score was calculated to assess if this variant is too frequent to cause the disease. Based on the score and internal cut-off values, a variant classified as likely benign is not then subjected to further curation. The score for this variant resulted in a classification of likely benign for this disease.